The following is an entry in ClinVar:

NM_000535.7(PMS2):c.1438G>A (p.Gly480Arg)

Gene: PMS2 (PMS1 homolog 2, mismatch repair system component; minus strand). Cytogenetic location: 7p22.1.
Variant type: single nucleotide variant.
Coding change: c.1438G>A on transcript NM_000535.7 (MANE Select); coding-DNA position 1438, G replaced by A.
Protein change: p.Gly480Arg; replaces glycine 480 with arginine.
Molecular consequence: missense variant. On other transcripts: non-coding transcript variant (1).
Genome position (GRCh38, 1-based): chr7:5,987,327, C>T on the plus strand (G>A on the coding strand, the complement: PMS2 is on the minus strand). VCF-style: chr7-5987327-C-T. GRCh37 (hg19) VCF-style: chr7-6026958-C-T.
Other names: c.1033G>A, p.Gly345Arg (NM_001322003.2, NM_001322004.2, NM_001322005.2 and 1 more transcripts); c.1282G>A, p.Gly428Arg (NM_001322006.2); c.1120G>A, p.Gly374Arg (NM_001322007.2, NM_001322008.2); c.877G>A, p.Gly293Arg (NM_001322010.2); c.505G>A, p.Gly169Arg (NM_001322011.2, NM_001322012.2); c.865G>A, p.Gly289Arg (NM_001322013.2); c.1438G>A, p.Gly480Arg (NM_001322014.2); c.1129G>A, p.Gly377Arg (NM_001322015.2); short protein forms G480R, G169R, G428R, G289R, G293R, G374R, G345R, G377R.
Identifiers: ClinVar variation 220433 (VCV000220433.40), dbSNP rs146848345, ClinGen allele CA043581.
Genomic context (GRCh38, chr7:5,987,327, plus strand): 5'-AAGTGCTGCCGTGCCCCGAGTCCTTCTCCACCTCCGCTCTGTCCGTAGGGTCACTGGGTC[C>T]GTGACTGGAACTCACTGCCTCTTTCTGAGGTCTCAGGACGCCTTTGTCAGAGATGGCACC-3'
Protein context (NP_000526.2, residues 470-490): PQKEAVSSSH[Gly480Arg]PSDPTDRAEV

ClinVar aggregate classification (germline): Conflicting classifications of pathogenicity. Review status: criteria provided, conflicting classifications (1 of 4 stars). 12 submissions from 12 submitters: Uncertain significance (6); Benign (2); Likely benign (4). Last evaluated 2025-10-21.

Conditions:
Breast and/or ovarian cancer. Identifiers: MedGen CN221562.
Lynch syndrome. Identifiers: Orphanet 144, MedGen C4552100, MONDO:0005835. Disease mechanism: loss of function.
Hereditary cancer-predisposing syndrome. Also called: Tumor predisposition; Neoplastic Syndromes, Hereditary; Hereditary Cancer Syndrome; Hereditary neoplastic syndrome. Identifiers: Orphanet 140162, MedGen C0027672, MeSH D009386, MONDO:0015356.
Hereditary nonpolyposis colorectal neoplasms. Identifiers: MedGen C0009405, MeSH D003123.

Allele frequency attached by ClinVar (database versions not stated): gnomAD 0.00003; ESP Exome Variant Server 0.00008; TOPMed 0.00009; 1000 Genomes Project 30x 0.00016; 1000 Genomes Project 0.00020.

Submissions (12):

Labcorp Genetics (formerly Invitae), Labcorp
Classification: Benign for Hereditary nonpolyposis colorectal neoplasms. Last evaluated: 2025-10-21. Review status: criteria provided, single submitter. Criteria: Invitae Variant Classification Sherloc (09022015). Collection method: clinical testing. Allele origin: germline.

Women's Health and Genetics/Laboratory Corporation of America, LabCorp
Classification: Uncertain significance. Last evaluated: 2025-06-05. Review status: criteria provided, single submitter. Criteria: LabCorp Variant Classification Summary - May 2015. Collection method: clinical testing. Allele origin: germline.
Comment: Variant summary: PMS2 c.1438G>A (p.Gly480Arg) results in a non-conservative amino acid change in the encoded protein sequence. Algorithms developed to predict the effect of missense changes on protein structure and function are either unavailable or do not agree on the potential impact of this missense change. The variant allele was found at a frequency of 2.8e-05 in 251486 control chromosomes. The available data on variant occurrences in the general population are insufficient to allow any conclusion about variant significance. c.1438G>A has been observed in individual(s) affected with Hereditary Nonpolyposis Colorectal Cancer (Kiyozumi_2019, Wei_2019, Makabe_2021). These report(s) do not provide unequivocal conclusions about association of the variant with Hereditary Nonpolyposis Colorectal Cancer. To our knowledge, no experimental evidence demonstrating an impact on protein function has been reported. The following publications have been ascertained in the context of this evaluation (PMID: 31386297, 34115236, 31248605). ClinVar contains an entry for this variant (Variation ID: 220433). Based on the evidence outlined above, the variant was classified as uncertain significance.

Blueprint Genetics
Classification: Likely benign. Last evaluated: 2024-11-22. Review status: criteria provided, single submitter. Criteria: ACMG Guidelines, 2015. Collection method: clinical testing. Allele origin: germline.

Color Diagnostics, LLC DBA Color Health
Classification: Benign for Hereditary cancer-predisposing syndrome. Last evaluated: 2024-10-17. Review status: criteria provided, single submitter. Criteria: ACMG Guidelines, 2015. Collection method: clinical testing. Allele origin: germline.

Department of Pathology and Laboratory Medicine, Sinai Health System
Classification: Likely benign for Lynch syndrome. Last evaluated: 2024-02-07. Review status: criteria provided, single submitter. Criteria: ACMG Guidelines, 2015. Collection method: clinical testing. Allele origin: germline.

GeneDx
Classification: Uncertain significance. Last evaluated: 2023-12-11. Review status: criteria provided, single submitter. Criteria: GeneDx Variant Classification Process June 2021. Collection method: clinical testing. Allele origin: germline. Affected: yes.
Comment: In silico analysis supports that this missense variant does not alter protein structure/function; Observed in individuals with breast, endometrial, and other cancers, as well as unaffected controls in a breast cancer study (PMID: 28873162, 31386297, 35449176, 34115236, 33471991); This variant is associated with the following publications: (PMID: 22949387, 28873162, 31386297, 35449176, 34115236, 33471991)

All of Us Research Program, National Institutes of Health
Classification: Likely benign for Lynch syndrome. Last evaluated: 2023-11-20. Review status: criteria provided, single submitter. Criteria: ACMG Guidelines, 2015. Collection method: clinical testing. Allele origin: germline. Inheritance: Autosomal dominant inheritance. Observed: 3 variant alleles, 3 heterozygotes.
Comment: This study involves interpretation of variants in research participants for the purpose of population health screening. Participant phenotype was not available at the time of variant classification. Additional details can be found in publication PMID: 35346344, PMCID: PMC8962531

CHEO Genetics Diagnostic Laboratory, Children's Hospital of Eastern Ontario
Classification: Uncertain significance for Breast and/or ovarian cancer. Last evaluated: 2023-06-12. Review status: criteria provided, single submitter. Criteria: ACMG Guidelines, 2015. Collection method: clinical testing. Allele origin: germline.

Quest Diagnostics Nichols Institute San Juan Capistrano
Classification: Uncertain significance. Last evaluated: 2023-01-20. Review status: criteria provided, single submitter. Criteria: Quest Diagnostics criteria. Collection method: clinical testing. Allele origin: unknown.
Comment: The frequency of this variant in the general population, 0.00016 (4/24958 chromosomes), is uninformative in assessment of its pathogenicity. In the published literature, the variant has been reported in individuals with Lynch syndrome (PMID: 31386297 (2019)), prostate cancer (PMID: 31248605 (2019)), and an unspecified advanced cancer (PMID: 28873162 (2017)). In a large-scale breast cancer association study, the variant was observed in individuals with breast cancer as well as in unaffected individuals (PMID: 33471991 (2021), see also LOVD). Analysis of this variant using bioinformatics tools for the prediction of the effect of amino acid changes on protein structure and function yielded predictions that this variant is benign. Based on the available information, we are unable to determine the clinical significance of this variant.

Ambry Genetics
Classification: Likely benign for Hereditary cancer-predisposing syndrome. Last evaluated: 2022-10-13. Review status: criteria provided, single submitter. Criteria: Ambry Variant Classification Scheme 2023. Collection method: clinical testing. Allele origin: germline.

Sema4
Classification: Uncertain significance for Hereditary cancer-predisposing syndrome. Last evaluated: 2022-02-10. Review status: criteria provided, single submitter. Criteria: Sema4 Curation Guidelines. Collection method: curation. Allele origin: germline.
Comment: The PMS2 c.1438G>A (p.G480R) variant has been reported in one individual with endometrial cancer and 2 individuals who underwent genetic testing for cancer, although the type of cancer was not specified (PMID: 34115236, 31386297, 28873162). A large case-control study detected the variant in 3/60466 breast cancer cases and in 6/53461 controls (PMID 33471991). It was observed in 4/24958 chromosomes of the African/African American subpopulation in the large and broad cohorts of the Genome Aggregation Database (PMID: 32461654). The variant has been reported in ClinVar (Variation ID 220433). In silico tools suggest the impact of the variant on protein function is inconclusive, though these predictions have not been confirmed by functional studies. The evidence is insufficient to meet ACMG/AMP criteria for classifying the variant as benign or pathogenic. Thus, the clinical significance of this variant is currently uncertain.

ARUP Laboratories, Molecular Genetics and Genomics, ARUP Laboratories
Classification: Uncertain significance. Last evaluated: 2017-11-20. Review status: criteria provided, single submitter. Criteria: ARUP Molecular Germline Variant Investigation Process. Collection method: clinical testing. Allele origin: germline.

Literature cited by the submitters: PubMed 31386297 (cited by 5 submitters); PubMed 31248605 (cited by 3 submitters); PubMed 34115236 (cited by 3 submitters); PubMed 33471991 (cited by 3 submitters); PubMed 28873162 (cited by 3 submitters).